The following is an entry in ClinVar:

ClinVar aggregate classification (germline): Uncertain significance (1 of 4 stars; one submission).

Conditions:
Developmental and epileptic encephalopathy, 32 (DEE32). Also called: Epileptic encephalopathy, early infantile, 32. Identifiers: Orphanet 442835, MedGen C4225350, MONDO:0014607, OMIM 616366.

Submission:

Labcorp Genetics (formerly Invitae), Labcorp
Classification: Uncertain significance for Developmental and epileptic encephalopathy, 32. Last evaluated: 2025-05-14. Review status: criteria provided, single submitter. Criteria: Invitae Variant Classification Sherloc (09022015). Collection method: clinical testing. Allele origin: germline.
Comment: This sequence change replaces tryptophan, which is neutral and slightly polar, with cysteine, which is neutral and slightly polar, at codon 150 of the KCNA2 protein (p.Trp150Cys). This variant is not present in population databases (gnomAD no frequency). This variant has not been reported in the literature in individuals affected with KCNA2-related conditions. ClinVar contains an entry for this variant (Variation ID: 1379410). Invitae Evidence Modeling of protein sequence and biophysical properties (such as structural, functional, and spatial information, amino acid conservation, physicochemical variation, residue mobility, and thermodynamic stability) indicates that this missense variant is expected to disrupt KCNA2 protein function with a positive predictive value of 95%. In summary, the available evidence is currently insufficient to determine the role of this variant in disease. Therefore, it has been classified as a Variant of Uncertain Significance.

NM_004974.4(KCNA2):c.450G>T (p.Trp150Cys)

Gene: KCNA2 (potassium voltage-gated channel subfamily A member 2; minus strand). Cytogenetic location: 1p13.3.
Variant type: single nucleotide variant.
Coding change: c.450G>T on transcript NM_004974.4 (MANE Select); coding-DNA position 450, G replaced by T.
Protein change: p.Trp150Cys; replaces tryptophan 150 with cysteine.
Molecular consequence: missense variant.
Genome position (GRCh38, 1-based): chr1:110,604,333, C>A on the plus strand (G>T on the coding strand, the complement: KCNA2 is on the minus strand). VCF-style: chr1-110604333-C-A. GRCh37 (hg19) VCF-style: chr1-111146955-C-A.
Other names: c.450G>T, p.Trp150Cys (NM_001204269.2); short protein forms W150C.
Identifiers: ClinVar variation 1379410 (VCV001379410.6), dbSNP rs2101401817, ClinGen allele CA341605343.